The following is an entry in ClinVar:

ClinVar aggregate classification (germline): Uncertain significance (1 of 4 stars; one submission).

Conditions:
Multiple congenital exostosis (EXT). Also called: Multiple osteochondromas; MULTIPLE CARTILAGINOUS EXOSTOSES; Hereditary multiple osteochondromas; Hereditary multiple exostoses; Hereditary multiple exostosis; Multiple exostoses. Identifiers: Orphanet 321, MedGen C0015306, MONDO:0005508, HP:0002762.

gnomAD v4.1: 2 of 1,613,878 alleles (0.00012%); highest among the groups gnomAD compares: Non-Finnish European, 0.00017%; no homozygotes.

Submission:

Labcorp Genetics (formerly Invitae), Labcorp
Classification: Uncertain significance for Multiple congenital exostosis. Last evaluated: 2026-01-06. Review status: criteria provided, single submitter. Criteria: Invitae Variant Classification Sherloc (09022015). Collection method: clinical testing. Allele origin: germline.
Comment: This sequence change replaces methionine, which is neutral and non-polar, with isoleucine, which is neutral and non-polar, at codon 327 of the EXT1 protein (p.Met327Ile). This variant is not present in population databases (gnomAD no frequency). This variant has not been reported in the literature in individuals affected with EXT1-related conditions. Invitae Evidence Modeling of protein sequence and biophysical properties (such as structural, functional, and spatial information, amino acid conservation, physicochemical variation, residue mobility, and thermodynamic stability) indicates that this missense variant is not expected to disrupt EXT1 protein function with a negative predictive value of 80%. In summary, the available evidence is currently insufficient to determine the role of this variant in disease. Therefore, it has been classified as a Variant of Uncertain Significance.

NM_000127.3(EXT1):c.981G>A (p.Met327Ile)

Gene: EXT1 (exostosin glycosyltransferase 1; minus strand). Cytogenetic location: 8q24.11.
Variant type: single nucleotide variant.
Coding change: c.981G>A on transcript NM_000127.3 (MANE Select); coding-DNA position 981, G replaced by A.
Protein change: p.Met327Ile; replaces methionine 327 with isoleucine.
Molecular consequence: missense variant.
Genome position (GRCh38, 1-based): chr8:117,837,183, C>T on the plus strand (G>A on the coding strand, the complement: EXT1 is on the minus strand). VCF-style: chr8-117837183-C-T. GRCh37 (hg19) VCF-style: chr8-118849422-C-T.
Other names: short protein forms M327I.
Identifiers: ClinVar variation 4766322 (VCV004766322.1).